The following is an entry in ClinVar:

NM_080680.3(COL11A2):c.850A>G (p.Thr284Ala)

Gene: COL11A2 (collagen type XI alpha 2 chain; minus strand). Cytogenetic location: 6p21.32.
Variant type: single nucleotide variant.
Coding change: c.850A>G on transcript NM_080680.3 (MANE Select); coding-DNA position 850, A replaced by G.
Protein change: p.Thr284Ala; replaces threonine 284 with alanine.
Molecular consequence: missense variant. On other transcripts: intron variant (2).
Genome position (GRCh38, 1-based): chr6:33,185,727, T>C on the plus strand (A>G on the coding strand, the complement: COL11A2 is on the minus strand). VCF-style: chr6-33185727-T-C. GRCh37 (hg19) VCF-style: chr6-33153504-T-C.
Other names: c.798+900A>G (NM_080679.3); c.799-673A>G (NM_080681.3); short protein forms T284A.
Identifiers: ClinVar variation 1957590 (VCV001957590.2), dbSNP rs2150608225, ClinGen allele CA363609594.

ClinVar aggregate classification (germline): Uncertain significance (1 of 4 stars; one submission).

Submission:

Labcorp Genetics (formerly Invitae), Labcorp
Classification: Uncertain significance. Last evaluated: 2021-12-29. Review status: criteria provided, single submitter. Criteria: Invitae Variant Classification Sherloc (09022015). Collection method: clinical testing. Allele origin: germline.
Comment: This sequence change replaces threonine, which is neutral and polar, with alanine, which is neutral and non-polar, at codon 284 of the COL11A2 protein (p.Thr284Ala). This variant is not present in population databases (gnomAD no frequency). This variant has not been reported in the literature in individuals affected with COL11A2-related conditions. Advanced modeling of protein sequence and biophysical properties (such as structural, functional, and spatial information, amino acid conservation, physicochemical variation, residue mobility, and thermodynamic stability) performed at Invitae indicates that this missense variant is not expected to disrupt COL11A2 protein function. In summary, the available evidence is currently insufficient to determine the role of this variant in disease. Therefore, it has been classified as a Variant of Uncertain Significance.